The following is an entry in ClinVar:

NM_000341.4(SLC3A1):c.1332+2T>A

Gene: SLC3A1 (solute carrier family 3 member 1; plus strand). Cytogenetic location: 2p21.
Variant type: single nucleotide variant.
Coding change: c.1332+2T>A on transcript NM_000341.4 (MANE Select); the canonical splice donor site of the intron after coding-DNA position 1332, T replaced by A.
Molecular consequence: splice donor variant.
Genome position (GRCh38, 1-based): chr2:44,304,340, T>A. VCF-style: chr2-44304340-T-A. GRCh37 (hg19) VCF-style: chr2-44531479-T-A.
Identifiers: ClinVar variation 804196 (VCV000804196.9), dbSNP rs758627758, ClinGen allele CA1640520.

ClinVar aggregate classification (germline): Pathogenic. Review status: criteria provided, multiple submitters, no conflicts (2 of 4 stars). 4 submissions from 4 submitters: Pathogenic (2). 2 of the submissions do not count toward it. Last evaluated 2021-12-20.

Conditions:
Cystine urolithiasis. Identifiers: MedGen C3671878.
Cystinuria (CSNU). Also called: CYSTINURIA, TYPE I; CYSTINURIA, TYPE II; CYSTINURIA, TYPE III; Cystinuria, non-type I. Identifiers: Orphanet 214, MedGen C0010691, MONDO:0009067, OMIM 220100, HP:0003131.

Allele frequency attached by ClinVar (database versions not stated): gnomAD exomes below 0.00001 and 0.00001; ExAC 0.00001; TOPMed 0.00001.
gnomAD v4.1: 5 of 1,610,500 alleles (0.00031%); highest among the groups gnomAD compares: East Asian, 0.011%; no homozygotes.

Submissions (4):

Revvity Omics, Revvity
Classification: Pathogenic for Cystinuria. Last evaluated: 2021-12-20. Review status: criteria provided, single submitter. Criteria: ACMG Guidelines, 2015. Collection method: clinical testing. Allele origin: germline.

Juno Genomics, Hangzhou Juno Genomics, Inc
Classification: Pathogenic for Cystinuria. Review status: criteria provided, single submitter. Criteria: ACMG Guidelines, 2015. Collection method: clinical testing. Allele origin: germline.
Comment: Absent from controls (or at extremely low frequency if recessive) in Genome Aggregation Database.;Null variant in a gene where loss of function (LOF) is a known mechanism of disease.;For recessive disorders, detected in trans with a pathogenic variant.;Patient's phenotype or family history is highly specific for a disease with a single genetic etiology.

Chinese Inherited Urolithiasis Consortium, The Affiliated Yantai Yuhuangding Hospital of Qingdao University
Classification: Pathogenic for Cystinuria. Last evaluated: 2024-08-26. Review status: no assertion criteria provided. Collection method: clinical testing. Allele origin: paternal, maternal. Affected: yes. Observed: 2 variant alleles. Not counted in ClinVar's aggregate classification.

The Laboratory of Genetics and Metabolism, Hunan Children’s Hospital
Classification: Pathogenic for Cystine Urolithiasis. Review status: no assertion criteria provided. Collection method: research. Allele origin: paternal. Affected: yes. Not counted in ClinVar's aggregate classification.